The following is an entry in ClinVar:

ClinVar aggregate classification (germline): Pathogenic (1 of 4 stars; one submission).

Conditions:
Hereditary cancer-predisposing syndrome. Also called: Tumor predisposition; Hereditary Cancer Syndrome; Hereditary neoplastic syndrome; Neoplastic Syndromes, Hereditary. Identifiers: Orphanet 140162, MedGen C0027672, MeSH D009386, MONDO:0015356.

Submission:

Ambry Genetics
Classification: Pathogenic for Hereditary cancer-predisposing syndrome. Last evaluated: 2024-01-12. Review status: criteria provided, single submitter. Criteria: Ambry Variant Classification Scheme 2023. Collection method: clinical testing. Allele origin: germline.
Comment: The c.7810delA pathogenic mutation, located in coding exon 52 of the ATM gene, results from a deletion of one nucleotide at nucleotide position 7810, causing a translational frameshift with a predicted alternate stop codon (p.R2604Efs*2). This variant is considered to be rare based on population cohorts in the Genome Aggregation Database (gnomAD). This alteration is expected to result in loss of function by premature protein truncation or nonsense-mediated mRNA decay. As such, this alteration is interpreted as a disease-causing mutation.

NM_000051.4(ATM):c.7810del (p.Arg2604fs)

Genes: ATM (ATM serine/threonine kinase; plus strand), C11orf65 (chromosome 11 open reading frame 65; minus strand). Cytogenetic location: 11q22.3.
Variant type: Deletion.
Coding change: c.7810del on transcript NM_000051.4 (MANE Select); coding-DNA position 7810, one base deleted (A; older notation c.7810delA).
Protein change: p.Arg2604fs; shifts the reading frame from arginine 2604.
Molecular consequence: frameshift variant. On other transcripts: intron variant (2).
Genome position (GRCh38, 1-based): chr11:108,332,783, A deleted. VCF-style (leftmost placement, unchanged base first): chr11-108332782-TA-T. GRCh37 (hg19) VCF-style: chr11-108203509-TA-T.
Other names: c.7810del, p.Arg2604fs (NM_001351834.2); c.641-23712del (NM_001330368.2); c.*38+2437del (NM_001351110.2); short protein forms R2604fs.
Identifiers: ClinVar variation 3223061 (VCV003223061.1), dbSNP rs2547298326, ClinGen allele CA2825001973.